The following is an entry in ClinVar:

NM_020738.4(KIDINS220):c.4236A>G (p.Pro1412=)

Gene: KIDINS220 (kinase D interacting substrate 220; minus strand). Cytogenetic location: 2p25.1.
Variant type: single nucleotide variant.
Coding change: c.4236A>G on transcript NM_020738.4 (MANE Select); coding-DNA position 4236, A replaced by G.
Protein change: p.Pro1412=; no amino-acid change (proline 1412 retained).
Molecular consequence: synonymous variant. On other transcripts: intron variant (6).
Genome position (GRCh38, 1-based): chr2:8,731,800, T>C on the plus strand (A>G on the coding strand, the complement: KIDINS220 is on the minus strand). VCF-style: chr2-8731800-T-C. GRCh37 (hg19) VCF-style: chr2-8871930-T-C.
Other names: c.4239A>G, p.Pro1413= (NM_001348729.2); c.4182A>G, p.Pro1394= (NM_001348731.2); c.4179A>G, p.Pro1393= (NM_001348732.2); c.4068A>G, p.Pro1356= (NM_001348734.2); c.4065A>G, p.Pro1355= (NM_001348735.2); c.3939A>G, p.Pro1313= (NM_001348736.2); c.3882+1644A>G (NM_001348741.2, NM_001348742.2, NM_001348743.2); c.3996+1644A>G (NM_001348738.2); and 1 more.
Identifiers: ClinVar variation 3355370 (VCV003355370.1).

ClinVar aggregate classification (germline): Likely benign (0 of 4 stars; one submission).

Conditions:
KIDINS220-related disorder. Also called: KIDINS220-related condition.

gnomAD v4.1: 4 of 1,614,058 alleles (0.00025%); highest among the groups gnomAD compares: African/African-American, 0.0027%; no homozygotes.

Submission:

PreventionGenetics, part of Exact Sciences
Classification: Likely benign for KIDINS220-related condition. Last evaluated: 2021-10-29. Review status: no assertion criteria provided. Collection method: clinical testing. Allele origin: germline.
Comment: This variant is classified as likely benign based on ACMG/AMP sequence variant interpretation guidelines (Richards et al. 2015 PMID: 25741868, with internal and published modifications).